The following is an entry in ClinVar:

NM_152305.3(POGLUT1):c.347del (p.Leu116fs)

Gene: POGLUT1 (protein O-glucosyltransferase 1; plus strand). Cytogenetic location: 3q13.33.
Variant type: Deletion.
Coding change: c.347del on transcript NM_152305.3 (MANE Select); coding-DNA position 347, one base deleted (T; older notation c.347delT).
Protein change: p.Leu116fs; shifts the reading frame from leucine 116.
Molecular consequence: frameshift variant. On other transcripts: non-coding transcript variant (1).
Genome position (GRCh38, 1-based): chr3:119,477,339, T deleted; the last of 4 consecutive T bases (chr3:119,477,336-119,477,339); deleting any one gives the same sequence. VCF-style (leftmost placement, unchanged base first): chr3-119477335-AT-A. GRCh37 (hg19) VCF-style: chr3-119196182-AT-A.
Other names: c.347delT, p.Leu116Trpfs (NM_020231.3); short protein forms L116fs.
Identifiers: ClinVar variation 2118041 (VCV002118041.4), dbSNP rs2473027210, ClinGen allele CA2580068588.
Genomic context (GRCh38, chr3:119,477,335, plus strand): 5'-CACTACTCTGCTGAATTTATGGTATGTCTGGTTGACAGGTGTAGTGGTGTTGAGCACTTT[AT>A]TTTGGAAGTGATCGGGCGTCTCCCTGACATGGAGATGGTGATCAATGTACGAGATTATCC-3'

ClinVar aggregate classification (germline): Pathogenic (1 of 4 stars; one submission).

Submission:

Labcorp Genetics (formerly Invitae), Labcorp
Classification: Pathogenic. Last evaluated: 2022-03-27. Review status: criteria provided, single submitter. Criteria: Invitae Variant Classification Sherloc (09022015). Collection method: clinical testing. Allele origin: germline.
Comment: This variant has not been reported in the literature in individuals affected with POGLUT1-related conditions. This sequence change creates a premature translational stop signal (p.Leu116Trpfs*3) in the POGLUT1 gene. It is expected to result in an absent or disrupted protein product. Loss-of-function variants in POGLUT1 are known to be pathogenic (PMID: 24387993). This variant is not present in population databases (gnomAD no frequency). For these reasons, this variant has been classified as Pathogenic.

Literature cited by the submitters: PubMed 24387993.